The following is an entry in ClinVar:

ClinVar aggregate classification (germline): Uncertain significance (1 of 4 stars; one submission).

Conditions:
Developmental and epileptic encephalopathy, 42 (DEE42A). Also called: DEVELOPMENTAL AND EPILEPTIC ENCEPHALOPATHY 42A; EPILEPTIC ENCEPHALOPATHY, EARLY INFANTILE, 42A; Epileptic encephalopathy, early infantile, 42. Identifiers: MedGen C4310716, MONDO:0014917, OMIM 617106.
Episodic ataxia type 2 (EA2). Also called: ACETAZOLAMIDE-RESPONSIVE HEREDITARY PAROXYSMAL CEREBELLAR ATAXIA; ATAXIA, EPISODIC, WITH NYSTAGMUS; ATAXIA, FAMILIAL PAROXYSMAL; CEREBELLAR ATAXIA, PAROXYSMAL, ACETAZOLAMIDE-RESPONSIVE; CEREBELLOPATHY, HEREDITARY PAROXYSMAL; EPISODIC ATAXIA, NYSTAGMUS-ASSOCIATED. Identifiers: Orphanet 97, MedGen C1720416, MONDO:0007163, OMIM 108500.

gnomAD v4.1: 1 of 1,483,968 alleles (0.000067%); highest among the groups gnomAD compares: Non-Finnish European, 0.000089%; no homozygotes.

Submission:

Labcorp Genetics (formerly Invitae), Labcorp
Classification: Uncertain significance for Developmental and epileptic encephalopathy, 42; Episodic ataxia type 2. Last evaluated: 2023-03-02. Review status: criteria provided, single submitter. Criteria: Invitae Variant Classification Sherloc (09022015). Collection method: clinical testing. Allele origin: germline.
Comment: This variant has not been reported in the literature in individuals affected with CACNA1A-related conditions. This variant is not present in population databases (gnomAD no frequency). This sequence change replaces glycine, which is neutral and non-polar, with cysteine, which is neutral and slightly polar, at codon 990 of the CACNA1A protein (p.Gly990Cys). In summary, the available evidence is currently insufficient to determine the role of this variant in disease. Therefore, it has been classified as a Variant of Uncertain Significance. Advanced modeling of protein sequence and biophysical properties (such as structural, functional, and spatial information, amino acid conservation, physicochemical variation, residue mobility, and thermodynamic stability) performed at Invitae indicates that this missense variant is not expected to disrupt CACNA1A protein function.

NM_001127222.2(CACNA1A):c.2965G>T (p.Gly989Cys)

Gene: CACNA1A (calcium voltage-gated channel subunit alpha1 A; minus strand). Cytogenetic location: 19p13.13.
Variant type: single nucleotide variant.
Coding change: c.2965G>T on transcript NM_001127222.2 (MANE Select); coding-DNA position 2965, G replaced by T.
Protein change: p.Gly989Cys; replaces glycine 989 with cysteine.
Molecular consequence: missense variant.
Genome position (GRCh38, 1-based): chr19:13,298,668, C>A on the plus strand (G>T on the coding strand, the complement: CACNA1A is on the minus strand). VCF-style: chr19-13298668-C-A. GRCh37 (hg19) VCF-style: chr19-13409482-C-A.
Other names: c.2977G>T, p.Gly993Cys (NM_000068.4, NM_023035.3); c.2968G>T, p.Gly990Cys (NM_001127221.2, NM_001174080.2); short protein forms G989C, G990C, G993C.
Identifiers: ClinVar variation 2930110 (VCV002930110.3), dbSNP rs1220993293, ClinGen allele CA404342355.